The following is an entry in ClinVar:

NM_198994.3(TGM6):c.595G>A (p.Gly199Ser)

Gene: TGM6 (transglutaminase 6; plus strand). Cytogenetic location: 20p13.
Variant type: single nucleotide variant.
Coding change: c.595G>A on transcript NM_198994.3 (MANE Select); coding-DNA position 595, G replaced by A.
Protein change: p.Gly199Ser; replaces glycine 199 with serine.
Molecular consequence: missense variant.
Genome position (GRCh38, 1-based): chr20:2,397,969, G>A. VCF-style: chr20-2397969-G-A. GRCh37 (hg19) VCF-style: chr20-2378615-G-A.
Other names: p.Gly199Ser; c.595G>A, p.Gly199Ser (NM_001254734.2); short protein forms G199S.
Identifiers: ClinVar variation 897212 (VCV000897212.5), dbSNP rs182249285, ClinGen allele CA9731730.

ClinVar aggregate classification (germline): Conflicting classifications of pathogenicity. Review status: criteria provided, conflicting classifications (1 of 4 stars). 2 submissions from 2 submitters: Uncertain significance (1); Likely benign (1). Last evaluated 2025-08-04.

Conditions:
Spinocerebellar ataxia type 35. Identifiers: Orphanet 276193, MedGen C3888031, MONDO:0013485, OMIM 613908.

Allele frequency attached by ClinVar (database versions not stated): gnomAD exomes 0.00003 and 0.00006; gnomAD 0.00004 and 0.00005; TOPMed 0.00004; ExAC 0.00007; 1000 Genomes Project 30x 0.00016; 1000 Genomes Project 0.00020.
gnomAD v4.1: 53 of 1,614,038 alleles (0.0033%); highest among the groups gnomAD compares: East Asian, 0.051%; no homozygotes.

Submissions (2):

Mayo Clinic Laboratories, Mayo Clinic
Classification: Uncertain significance. Last evaluated: 2025-08-04. Review status: criteria provided, single submitter. Criteria: ACMG Guidelines, 2015. Collection method: clinical testing. Allele origin: germline. Observed: 1 variant allele.
Comment: BP4_moderate

Illumina Laboratory Services, Illumina
Classification: Likely benign for Spinocerebellar ataxia type 35. Last evaluated: 2018-01-13. Review status: criteria provided, single submitter. Criteria: ICSL Variant Classification Criteria 13 December 2019. Collection method: clinical testing. Allele origin: germline.
Comment: This variant was observed in the ICSL laboratory as part of a predisposition screen in an ostensibly healthy population. It had not been previously curated by ICSL or reported in the Human Gene Mutation Database (HGMD: prior to June 1st, 2018), and was therefore a candidate for classification through an automated scoring system. Utilizing variant allele frequency, disease prevalence and penetrance estimates, and inheritance mode, an automated score was calculated to assess if this variant is too frequent to cause the disease. Based on the score and internal cut-off values, a variant classified as likely benign is not then subjected to further curation. The score for this variant resulted in a classification of likely benign for this disease.

Literature cited by the submitters: PubMed 32259886 (cited by Mayo Clinic Laboratories, Mayo Clinic).